The following is an entry in ClinVar:

ClinVar aggregate classification (germline): Likely pathogenic. Review status: criteria provided, single submitter (1 of 4 stars). 2 submissions from 2 submitters: Likely pathogenic (1). 1 of the submissions does not count toward it. Last evaluated 2020-05-28.

Conditions:
Galloway-Mowat syndrome 6. Identifiers: MedGen C5193043, MONDO:0032691, OMIM 618347.
Galloway-Mowat syndrome. Also called: GALLOWAY SYNDROME. Identifiers: Orphanet 2065, MedGen C0795949, MONDO:0009627.

Submissions (2):

Broad Center for Mendelian Genomics, Broad Institute of MIT and Harvard
Classification: Likely pathogenic for Galloway-Mowat syndrome. Last evaluated: 2020-05-28. Review status: criteria provided, single submitter. Criteria: ACMG Guidelines, 2015. Collection method: research. Allele origin: germline. Inheritance: Autosomal recessive inheritance.
Comment: The homozygous c.454-2A>C variant in WDR4 was identified by our study in 4 Indian siblings with Galloway-Mowat syndrome (PMID: 30079490). This variant was absent from large population studies. This variant occurs in the invariant region (+/- 1/2) of the splice consensus sequence and is predicted to cause altered splicing leading to an abnormal or absent protein. While there is some evidence to suggest that loss of function of the WDR4 gene is a disease mechanism in autosomal recessive Galloway-Mowat syndrome, this association is not yet strongly established based on the criteria laid out in Tayoun, 2018 (PMID: 30192042). In summary, although additional studies are required to fully establish its clinical significance, this variant is likely pathogenic. ACMG/AMP Criteria applied: PVS1_Strong, PM2, PM3_Supporting, PP1_moderate (Richards 2015).

OMIM
Classification: Pathogenic for GALLOWAY-MOWAT SYNDROME 6. Last evaluated: 2019-03-08. Review status: no assertion criteria provided. Collection method: literature only. Allele origin: germline. Not counted in ClinVar's aggregate classification.

Literature cited by the submitters: PubMed 30079490 (cited by Broad Center for Mendelian Genomics, Broad Institute of MIT and Harvard and OMIM).

NM_018669.6(WDR4):c.454-2A>C

Gene: WDR4 (WDR4 tRNA N7-guanosine methyltransferase non-catalytic subunit; minus strand). Cytogenetic location: 21q22.3.
Variant type: single nucleotide variant.
Coding change: c.454-2A>C on transcript NM_018669.6 (MANE Select); the canonical splice acceptor site of the intron before coding-DNA position 454, A replaced by C.
Molecular consequence: splice acceptor variant.
Genome position (GRCh38, 1-based): chr21:42,862,396, T>G on the plus strand (A>C on the coding strand, the complement: WDR4 is on the minus strand). VCF-style: chr21-42862396-T-G. GRCh37 (hg19) VCF-style: chr21-44282506-T-G.
Other names: IVS4AS, A-C, -2; c.454-2A>C (NM_033661.5, NM_001260474.2); c.16-2A>C (NM_001260476.2, NM_001260475.2, NM_001260477.2).
Identifiers: ClinVar variation 619605 (VCV000619605.2), dbSNP rs779449710, ClinGen allele CA410393329.